The following is an entry in ClinVar:

NM_001081550.2(THOC2):c.3281G>A (p.Arg1094Gln)

Gene: THOC2 (THO complex subunit 2; minus strand). Cytogenetic location: Xq25.
Variant type: single nucleotide variant.
Coding change: c.3281G>A on transcript NM_001081550.2 (MANE Select); coding-DNA position 3281, G replaced by A.
Protein change: p.Arg1094Gln; replaces arginine 1094 with glutamine.
Molecular consequence: missense variant.
Genome position (GRCh38, 1-based): chrX:123,624,097, C>T on the plus strand (G>A on the coding strand, the complement: THOC2 is on the minus strand). VCF-style: chrX-123624097-C-T. GRCh37 (hg19) VCF-style: chrX-122757948-C-T.
Other names: short protein forms R1094Q.
Identifiers: ClinVar variation 3900057 (VCV003900057.1).

ClinVar aggregate classification (germline): Uncertain significance (1 of 4 stars; one submission).

Submission:

GeneDx
Classification: Uncertain significance. Last evaluated: 2024-11-25. Review status: criteria provided, single submitter. Criteria: GeneDx Variant Classification Process June 2021. Collection method: clinical testing. Allele origin: germline. Affected: yes.
Comment: Not observed at significant frequency in large population cohorts (gnomAD); In silico analysis supports that this missense variant has a deleterious effect on protein structure/function; Has not been previously published as pathogenic or benign to our knowledge